The following is an entry in ClinVar:

ClinVar aggregate classification (germline): Conflicting classifications of pathogenicity. Review status: criteria provided, conflicting classifications (1 of 4 stars). 5 submissions from 5 submitters: Uncertain significance (2); Benign (1); Likely benign (1). 1 of the submissions does not count toward it. Last evaluated 2025-11-15.

Conditions:
RAI1-related disorder. Also called: RAI1-related condition.
Inborn genetic diseases. Identifiers: MedGen C0950123, MeSH D030342.

Allele frequency attached by ClinVar (database versions not stated): gnomAD exomes 0.00001; TOPMed 0.00001; ESP Exome Variant Server 0.00008.
gnomAD v4.1: 19 of 1,614,036 alleles (0.0012%); highest among the groups gnomAD compares: Admixed American, 0.0033%; no homozygotes.

Submissions (5):

Labcorp Genetics (formerly Invitae), Labcorp
Classification: Uncertain significance. Last evaluated: 2025-11-15. Review status: criteria provided, single submitter. Criteria: Invitae Variant Classification Sherloc (09022015). Collection method: clinical testing. Allele origin: germline.
Comment: This sequence change replaces arginine, which is basic and polar, with cysteine, which is neutral and slightly polar, at codon 26 of the RAI1 protein (p.Arg26Cys). This variant is present in population databases (rs376964045, gnomAD 0.005%). This variant has not been reported in the literature in individuals affected with RAI1-related conditions. ClinVar contains an entry for this variant (Variation ID: 1234029). Invitae Evidence Modeling of protein sequence and biophysical properties (such as structural, functional, and spatial information, amino acid conservation, physicochemical variation, residue mobility, and thermodynamic stability) indicates that this missense variant is expected to disrupt RAI1 protein function with a positive predictive value of 80%. In summary, the available evidence is currently insufficient to determine the role of this variant in disease. Therefore, it has been classified as a Variant of Uncertain Significance.

Ambry Genetics
Classification: Likely benign for Inborn genetic diseases. Last evaluated: 2024-03-31. Review status: criteria provided, single submitter. Criteria: Ambry Variant Classification Scheme 2023. Collection method: clinical testing. Allele origin: germline.

GeneDx
Classification: Benign. Last evaluated: 2020-08-03. Review status: criteria provided, single submitter. Criteria: GeneDx Variant Classification Process June 2021. Collection method: clinical testing. Allele origin: germline. Affected: yes.
Comment: In silico analysis supports that this missense variant has a deleterious effect on protein structure/function; Has not been previously published as pathogenic or benign to our knowledge

Genetic Services Laboratory, University of Chicago
Classification: Uncertain significance. Last evaluated: 2017-09-13. Review status: criteria provided, single submitter. Criteria: ACMG Guidelines, 2015. Collection method: clinical testing. Allele origin: germline. Affected: no.

PreventionGenetics, part of Exact Sciences
Classification: Uncertain significance for RAI1-related condition. Last evaluated: 2024-06-13. Review status: no assertion criteria provided. Collection method: clinical testing. Allele origin: germline. Not counted in ClinVar's aggregate classification.
Comment: The RAI1 c.76C>T variant is predicted to result in the amino acid substitution p.Arg26Cys. To our knowledge, this variant has not been reported in the literature. This variant is reported in 0.0046% of alleles in individuals of European (Non-Finnish) descent in gnomAD. At this time, the clinical significance of this variant is uncertain due to the absence of conclusive functional and genetic evidence.

NM_030665.4(RAI1):c.76C>T (p.Arg26Cys)

Gene: RAI1 (retinoic acid induced 1; plus strand). Cytogenetic location: 17p11.2.
Variant type: single nucleotide variant.
Coding change: c.76C>T on transcript NM_030665.4 (MANE Select); coding-DNA position 76, C replaced by T.
Protein change: p.Arg26Cys; replaces arginine 26 with cysteine.
Molecular consequence: missense variant.
Genome position (GRCh38, 1-based): chr17:17,793,024, C>T. VCF-style: chr17-17793024-C-T. GRCh37 (hg19) VCF-style: chr17-17696338-C-T.
Other names: short protein forms R26C.
Identifiers: ClinVar variation 1234029 (VCV001234029.15), dbSNP rs376964045, ClinGen allele CA8418033.